The following is an entry in ClinVar:

NM_004336.5(BUB1):c.646A>G (p.Lys216Glu)

Gene: BUB1 (BUB1 mitotic checkpoint serine/threonine kinase; minus strand). Cytogenetic location: 2q13.
Variant type: single nucleotide variant.
Coding change: c.646A>G on transcript NM_004336.5 (MANE Select); coding-DNA position 646, A replaced by G.
Protein change: p.Lys216Glu; replaces lysine 216 with glutamic acid.
Molecular consequence: missense variant.
Genome position (GRCh38, 1-based): chr2:110,667,680, T>C on the plus strand (A>G on the coding strand, the complement: BUB1 is on the minus strand). VCF-style: chr2-110667680-T-C. GRCh37 (hg19) VCF-style: chr2-111425257-T-C.
Other names: c.586A>G, p.Lys196Glu (NM_001278616.2); c.646A>G, p.Lys216Glu (NM_001278617.2); short protein forms K196E, K216E.
Identifiers: ClinVar variation 1753694 (VCV001753694.3), dbSNP rs780140237, ClinGen allele CA1828281.
Genomic context (GRCh38, chr2:110,667,680, plus strand): 5'-TAACAACCTGCTCAACATCAACTTTGGATGCCAAAGATGAGTGCACAGAATATTCTGATT[T>C]AGAAATCGTGATCACTCTTCGTTCCCTACAATGGGGGAAAATACATTATTTACAACAATG-3'
Protein context (NP_004327.1, residues 206-226): NMERRVITIS[Lys216Glu]SEYSVHSSLA

ClinVar aggregate classification (germline): Uncertain significance. Review status: criteria provided, multiple submitters, no conflicts (2 of 4 stars). 2 submissions from 2 submitters: Uncertain significance (2). Last evaluated 2025-02-18.

Allele frequency attached by ClinVar (database versions not stated): gnomAD exomes 0.00001; ExAC 0.00002; gnomAD 0.00011; TOPMed 0.00011.
gnomAD v4.1: 26 of 1,613,330 alleles (0.0016%); highest among the groups gnomAD compares: African/African-American, 0.033%; no homozygotes.

Submissions (2):

Labcorp Genetics (formerly Invitae), Labcorp
Classification: Uncertain significance. Last evaluated: 2025-02-18. Review status: criteria provided, single submitter. Criteria: Invitae Variant Classification Sherloc (09022015). Collection method: clinical testing. Allele origin: germline.
Comment: This sequence change replaces lysine, which is basic and polar, with glutamic acid, which is acidic and polar, at codon 216 of the BUB1 protein (p.Lys216Glu). This variant is present in population databases (rs780140237, gnomAD 0.03%). This variant has not been reported in the literature in individuals affected with BUB1-related conditions. ClinVar contains an entry for this variant (Variation ID: 1753694). Experimental studies and prediction algorithms are not available or were not evaluated, and the functional significance of this variant is currently unknown. In summary, the available evidence is currently insufficient to determine the role of this variant in disease. Therefore, it has been classified as a Variant of Uncertain Significance.

Ambry Genetics
Classification: Uncertain significance. Last evaluated: 2023-11-15. Review status: criteria provided, single submitter. Criteria: Ambry Variant Classification Scheme 2023. Collection method: clinical testing. Allele origin: germline.
Comment: The p.K216E variant (also known as c.646A>G), located in coding exon 8 of the BUB1 gene, results from an A to G substitution at nucleotide position 646. The lysine at codon 216 is replaced by glutamic acid, an amino acid with similar properties. This amino acid position is conserved. In addition, this alteration is predicted to be tolerated by in silico analysis. Since supporting evidence is limited at this time, the clinical significance of this alteration remains unclear.